The following is an entry in ClinVar:

ClinVar aggregate classification (germline): Uncertain significance (1 of 4 stars; one submission).

Conditions:
Hereditary cancer-predisposing syndrome. Also called: Hereditary neoplastic syndrome; Neoplastic Syndromes, Hereditary; Tumor predisposition; Hereditary Cancer Syndrome. Identifiers: Orphanet 140162, MedGen C0027672, MeSH D009386, MONDO:0015356.

Submission:

Ambry Genetics
Classification: Uncertain significance for Hereditary cancer-predisposing syndrome. Last evaluated: 2024-12-19. Review status: criteria provided, single submitter. Criteria: Ambry Variant Classification Scheme 2023. Collection method: clinical testing. Allele origin: germline.
Comment: The c.8_9delACinsCA variant (also known as p.N3T), located in coding exon 1 of the CDKN1B gene, results from an in-frame deletion of AC and insertion of CA at nucleotide positions 8 to 9. This results in the substitution of the asparagine residue for a threonine residue at codon 3, an amino acid with similar properties. This amino acid position is not well conserved in available vertebrate species. In addition, this alteration is predicted to be tolerated by in silico analysis. Based on the available evidence, the clinical significance of this variant remains unclear.

NM_004064.5(CDKN1B):c.8_9delinsCA (p.Asn3Thr)

Gene: CDKN1B (cyclin dependent kinase inhibitor 1B; plus strand). Cytogenetic location: 12p13.1.
Variant type: Indel.
Coding change: c.8_9delinsCA on transcript NM_004064.5 (MANE Select); coding-DNA positions 8 to 9, AC replaced by CA.
Protein change: p.Asn3Thr; replaces asparagine 3 with threonine.
Molecular consequence: missense variant.
Genome position (GRCh38, 1-based): chr12:12,717,847-12,717,848, AC replaced by CA. VCF-style: chr12-12717847-AC-CA. GRCh37 (hg19) VCF-style: chr12-12870781-AC-CA.
Other names: short protein forms N3T.
Identifiers: ClinVar variation 3830961 (VCV003830961.1).
Genomic context (GRCh38, chr12:12,717,847, plus strand): 5'-GTTTTGTTTTTTTGAGAGTGCGAGAGAGGCGGTCGTGCAGACCCGGGAGAAAGATGTCAA[AC>CA]GTGCGAGTGTCTAACGGGAGCCCTAGCCTGGAGCGGATGGACGCCAGGCAGGCGGAGCAC-3'
Protein context (NP_004055.1, residues 1-13): MS[Asn3Thr]VRVSNGSPSL